The following is an entry in ClinVar:

ClinVar aggregate classification (germline): Uncertain significance (1 of 4 stars; one submission).

Conditions:
Epidermolysis bullosa simplex 3, localized or generalized intermediate, with BP230 deficiency (EBS3). Also called: Epidermolysis bullosa simplex due to BP230 deficiency; Epidermolysis bullosa simplex, autosomal recessive 2. Identifiers: Orphanet 412181, MedGen C3809470, MONDO:0014180, OMIM 615425.
Hereditary sensory and autonomic neuropathy type 6. Also called: HSAN VI; Neuropathy, hereditary sensory and autonomic, type VI. Identifiers: Orphanet 314381, MedGen C3539003, MONDO:0013839, OMIM 614653.

Allele frequency attached by ClinVar (database versions not stated): ExAC 0.00001.
gnomAD v4.1: 1 of 1,611,296 alleles (0.000062%); highest among the groups gnomAD compares: East Asian, 0.0022%; no homozygotes.

Submission:

Labcorp Genetics (formerly Invitae), Labcorp
Classification: Uncertain significance for Epidermolysis bullosa simplex 3, localized or generalized intermediate, with BP230 deficiency; Hereditary sensory and autonomic neuropathy type 6. Last evaluated: 2021-11-14. Review status: criteria provided, single submitter. Criteria: Invitae Variant Classification Sherloc (09022015). Collection method: clinical testing. Allele origin: germline.
Comment: In summary, the available evidence is currently insufficient to determine the role of this variant in disease. Therefore, it has been classified as a Variant of Uncertain Significance. Experimental studies and prediction algorithms are not available or were not evaluated, and the functional significance of this variant is currently unknown. This variant has not been reported in the literature in individuals affected with DST-related conditions. This variant is present in population databases (rs767077133, gnomAD 0.006%). This sequence change replaces serine, which is neutral and polar, with asparagine, which is neutral and polar, at codon 2405 of the DST protein (p.Ser2405Asn). The DST gene has multiple clinically relevant transcripts. This variant occurs in alternate transcript NM_015548.4, and corresponds to NM_001723.5:c.*60119G>A in the primary transcript.

NM_001374736.1(DST):c.15083G>A (p.Ser5028Asn)

Gene: DST (dystonin; minus strand). Cytogenetic location: 6p12.1.
Variant type: single nucleotide variant.
Coding change: c.15083G>A on transcript NM_001374736.1 (MANE Select); coding-DNA position 15083, G replaced by A.
Protein change: p.Ser5028Asn; replaces serine 5028 with asparagine.
Molecular consequence: missense variant.
Genome position (GRCh38, 1-based): chr6:56,555,398, C>T on the plus strand (G>A on the coding strand, the complement: DST is on the minus strand). VCF-style: chr6-56555398-C-T. GRCh37 (hg19) VCF-style: chr6-56420196-C-T.
Other names: c.8726G>A, p.Ser2909Asn (NM_001144769.5); c.8312G>A, p.Ser2771Asn (NM_001144770.2); c.15083G>A, p.Ser5028Asn (NM_001374722.1); c.14450G>A, p.Ser4817Asn (NM_001374729.1); c.8192G>A, p.Ser2731Asn (NM_001374730.1, NM_001386100.1, NM_183380.4); c.15110G>A, p.Ser5037Asn (NM_001374734.1); c.7214G>A, p.Ser2405Asn (NM_015548.5); short protein forms S2731N, S2909N, S4817N, S2405N, S5037N, S2771N, S5028N.
Identifiers: ClinVar variation 1441020 (VCV001441020.6), dbSNP rs767077133, ClinGen allele CA3867886.